The following is an entry in ClinVar:

ClinVar aggregate classification (germline): Uncertain significance (1 of 4 stars; one submission).

Conditions:
Deficiency of malonyl-CoA decarboxylase. Also called: Malonic aciduria; MCD deficiency. Identifiers: Orphanet 943, MedGen C0342793, MONDO:0009556, OMIM 248360.

Allele frequency attached by ClinVar (database versions not stated): gnomAD 0.00002; TOPMed 0.00002; ExAC 0.00004; ESP Exome Variant Server 0.00008.
gnomAD v4.1: 20 of 1,614,136 alleles (0.0012%); highest among the groups gnomAD compares: Middle Eastern, 0.016%; no homozygotes.

Submission:

Labcorp Genetics (formerly Invitae), Labcorp
Classification: Uncertain significance for Deficiency of malonyl-CoA decarboxylase. Last evaluated: 2022-08-21. Review status: criteria provided, single submitter. Criteria: Invitae Variant Classification Sherloc (09022015). Collection method: clinical testing. Allele origin: germline.
Comment: This sequence change replaces serine, which is neutral and polar, with cysteine, which is neutral and slightly polar, at codon 241 of the MLYCD protein (p.Ser241Cys). This variant is present in population databases (rs373660011, gnomAD 0.005%). This variant has not been reported in the literature in individuals affected with MLYCD-related conditions. Algorithms developed to predict the effect of missense changes on protein structure and function are either unavailable or do not agree on the potential impact of this missense change (SIFT: "Deleterious"; PolyPhen-2: "Benign"; Align-GVGD: "Class C15"). In summary, the available evidence is currently insufficient to determine the role of this variant in disease. Therefore, it has been classified as a Variant of Uncertain Significance.

NM_012213.3(MLYCD):c.722C>G (p.Ser241Cys)

Gene: MLYCD (malonyl-CoA decarboxylase; plus strand). Cytogenetic location: 16q23.3.
Variant type: single nucleotide variant.
Coding change: c.722C>G on transcript NM_012213.3 (MANE Select); coding-DNA position 722, C replaced by G.
Protein change: p.Ser241Cys; replaces serine 241 with cysteine.
Molecular consequence: missense variant.
Genome position (GRCh38, 1-based): chr16:83,908,206, C>G. VCF-style: chr16-83908206-C-G. GRCh37 (hg19) VCF-style: chr16-83941811-C-G.
Other names: short protein forms S241C.
Identifiers: ClinVar variation 2146387 (VCV002146387.1), dbSNP rs373660011, ClinGen allele CA8197348.